The following is an entry in ClinVar:

NM_058246.4(DNAJB6):c.815C>T (p.Ala272Val)

Gene: DNAJB6 (DnaJ heat shock protein family (Hsp40) member B6; plus strand). Cytogenetic location: 7q36.3.
Variant type: single nucleotide variant.
Coding change: c.815C>T on transcript NM_058246.4 (MANE Select); coding-DNA position 815, C replaced by T.
Protein change: p.Ala272Val; replaces alanine 272 with valine.
Molecular consequence: missense variant.
Genome position (GRCh38, 1-based): chr7:157,409,918, C>T. VCF-style: chr7-157409918-C-T. GRCh37 (hg19) VCF-style: chr7-157202612-C-T.
Other names: c.470C>T, p.Ala157Val (NM_001363676.1); short protein forms A272V, A157V.
Identifiers: ClinVar variation 379481 (VCV000379481.17), dbSNP rs978425267, ClinGen allele CA16605772.

ClinVar aggregate classification (germline): Conflicting classifications of pathogenicity. Review status: criteria provided, conflicting classifications (1 of 4 stars). 5 submissions from 5 submitters: Uncertain significance (3); Likely benign (2). Last evaluated 2025-12-30.

Conditions:
Inborn genetic diseases. Identifiers: MedGen C0950123, MeSH D030342.
Autosomal dominant limb-girdle muscular dystrophy type 1D (DNAJB6) (LGMDD1). Also called: MUSCULAR DYSTROPHY, LIMB-GIRDLE, TYPE 1D; MUSCULAR DYSTROPHY, AUTOSOMAL DOMINANT, WITH RIMMED VACUOLES; Autosomal dominant limb-girdle muscular dystrophy type 1D; Muscular dystrophy, limb-girdle, autosomal dominant 1. Identifiers: Orphanet 34516, MedGen C4721885, MONDO:0021018, OMIM 603511.

Allele frequency attached by ClinVar (database versions not stated): gnomAD exomes 0.00004; gnomAD 0.00005 and 0.00006; TOPMed 0.00006.
gnomAD v4.1: 177 of 1,535,568 alleles (0.012%); highest among the groups gnomAD compares: Non-Finnish European, 0.014%; no homozygotes.

Submissions (5):

Labcorp Genetics (formerly Invitae), Labcorp
Classification: Uncertain significance for Autosomal dominant limb-girdle muscular dystrophy type 1D (DNAJB6). Last evaluated: 2025-12-30. Review status: criteria provided, single submitter. Criteria: Invitae Variant Classification Sherloc (09022015). Collection method: clinical testing. Allele origin: germline.
Comment: This sequence change replaces alanine, which is neutral and non-polar, with valine, which is neutral and non-polar, at codon 272 of the DNAJB6 protein (p.Ala272Val). The frequency data for this variant in the population databases is considered unreliable, as metrics indicate poor data quality at this position in the gnomAD database. This variant has not been reported in the literature in individuals affected with DNAJB6-related conditions. ClinVar contains an entry for this variant (Variation ID: 379481). Invitae Evidence Modeling of protein sequence and biophysical properties (such as structural, functional, and spatial information, amino acid conservation, physicochemical variation, residue mobility, and thermodynamic stability) indicates that this missense variant is not expected to disrupt DNAJB6 protein function with a negative predictive value of 80%. In summary, the available evidence is currently insufficient to determine the role of this variant in disease. Therefore, it has been classified as a Variant of Uncertain Significance.

Revvity Omics, Revvity
Classification: Uncertain significance for Autosomal dominant limb-girdle muscular dystrophy type 1D (DNAJB6). Last evaluated: 2025-05-05. Review status: criteria provided, single submitter. Criteria: ACMG Guidelines, 2015. Collection method: clinical testing. Allele origin: germline.

Blueprint Genetics
Classification: Likely benign. Last evaluated: 2024-09-05. Review status: criteria provided, single submitter. Criteria: ACMG Guidelines, 2015. Collection method: clinical testing. Allele origin: germline.

Ambry Genetics
Classification: Uncertain significance for Inborn genetic diseases. Last evaluated: 2023-02-06. Review status: criteria provided, single submitter. Criteria: Ambry Variant Classification Scheme 2023. Collection method: clinical testing. Allele origin: germline.

GeneDx
Classification: Likely benign. Last evaluated: 2015-04-14. Review status: criteria provided, single submitter. Criteria: GeneDx Variant Classification (06012015). Collection method: clinical testing. Allele origin: germline. Affected: yes.
Comment: This variant is considered likely benign or benign based on one or more of the following criteria: it is a conservative change, it occurs at a poorly conserved position in the protein, it is predicted to be benign by multiple in silico algorithms, and/or has population frequency not consistent with disease.